The following is an entry in ClinVar:

NM_005546.4(ITK):c.713+6A>T

Gene: ITK (IL2 inducible T cell kinase; plus strand). Cytogenetic location: 5q33.3.
Variant type: single nucleotide variant.
Coding change: c.713+6A>T on transcript NM_005546.4 (MANE Select); 6 bases into the intron after coding-DNA position 713, A replaced by T.
Molecular consequence: intron variant.
Genome position (GRCh38, 1-based): chr5:157,228,367, A>T. VCF-style: chr5-157228367-A-T. GRCh37 (hg19) VCF-style: chr5-156655377-A-T.
Identifiers: ClinVar variation 1405967 (VCV001405967.3), dbSNP rs765046607, ClinGen allele CA447429163.

ClinVar aggregate classification (germline): Uncertain significance (1 of 4 stars; one submission).

Conditions:
Lymphoproliferative syndrome 1 (LPFS1). Identifiers: Orphanet 238505, Orphanet 538963, MedGen C3552634, MONDO:0013081, OMIM 613011.

Allele frequency attached by ClinVar (database versions not stated): gnomAD 0.00003.
gnomAD v4.1: 16 of 1,550,342 alleles (0.001%); highest among the groups gnomAD compares: Admixed American, 0.0083%; no homozygotes.

Submission:

Labcorp Genetics (formerly Invitae), Labcorp
Classification: Uncertain significance for Lymphoproliferative syndrome 1. Last evaluated: 2021-10-16. Review status: criteria provided, single submitter. Criteria: Invitae Variant Classification Sherloc (09022015). Collection method: clinical testing. Allele origin: germline.
Comment: This sequence change falls in intron 7 of the ITK gene. It does not directly change the encoded amino acid sequence of the ITK protein. It affects a nucleotide within the consensus splice site. This variant is not present in population databases (ExAC no frequency). This variant has not been reported in the literature in individuals affected with ITK-related conditions. Variants that disrupt the consensus splice site are a relatively common cause of aberrant splicing (PMID: 17576681, 9536098). Algorithms developed to predict the effect of sequence changes on RNA splicing suggest that this variant is not likely to affect RNA splicing. In summary, the available evidence is currently insufficient to determine the role of this variant in disease. Therefore, it has been classified as a Variant of Uncertain Significance.

Literature cited by the submitters: PubMed 17576681; PubMed 9536098.